The following is an entry in ClinVar:

NM_000017.4(ACADS):c.*310C>G

Gene: ACADS (acyl-CoA dehydrogenase short chain; plus strand). Cytogenetic location: 12q24.31.
Variant type: single nucleotide variant.
Coding change: c.*310C>G on transcript NM_000017.4 (MANE Select); 310 bases downstream of the stop codon, C replaced by G.
Molecular consequence: 3 prime UTR variant.
Genome position (GRCh38, 1-based): chr12:120,739,758, C>G. VCF-style: chr12-120739758-C-G. GRCh37 (hg19) VCF-style: chr12-121177561-C-G.
Other names: c.*310C>G (NM_001302554.2).
Identifiers: ClinVar variation 307450 (VCV000307450.6), dbSNP rs116733542, ClinGen allele CA10641182.

ClinVar aggregate classification (germline): Benign. Review status: criteria provided, multiple submitters, no conflicts (2 of 4 stars). 2 submissions from 2 submitters: Benign (2). Last evaluated 2018-11-16.

Conditions:
Deficiency of butyryl-CoA dehydrogenase (ACADSD). Also called: SCAD DEFICIENCY, MILD; ACYL-CoA DEHYDROGENASE, SHORT-CHAIN, DEFICIENCY OF; SCADH DEFICIENCY; ACADS DEFICIENCY; Short-Chain Acyl-CoA Dehydrogenase Deficiency; SCAD Deficiency. Identifiers: Orphanet 26792, MedGen C0342783, MONDO:0008722, OMIM 201470. Disease mechanism: May be benign.

Allele frequency attached by ClinVar (database versions not stated): gnomAD exomes 0.00301; 1000 Genomes Project 0.02456; gnomAD 0.02540 and 0.02741; 1000 Genomes Project 30x 0.02701; TOPMed 0.02933.
gnomAD v4.1: 4,678 of 425,800 alleles (1.1%); highest among the groups gnomAD compares: African/African-American, 8.6%; 185 homozygotes.

Submissions (2):

GeneDx
Classification: Benign. Last evaluated: 2018-11-16. Review status: criteria provided, single submitter. Criteria: GeneDx Variant Classification Process June 2021. Collection method: clinical testing. Allele origin: germline. Affected: yes.

Illumina Laboratory Services, Illumina
Classification: Benign for Deficiency of butyryl-CoA dehydrogenase. Last evaluated: 2018-01-12. Review status: criteria provided, single submitter. Criteria: ICSL Variant Classification Criteria 13 December 2019. Collection method: clinical testing. Allele origin: germline.
Comment: This variant was observed in the ICSL laboratory as part of a predisposition screen in an ostensibly healthy population. It had not been previously curated by ICSL or reported in the Human Gene Mutation Database (HGMD: prior to June 1st, 2018), and was therefore a candidate for classification through an automated scoring system. Utilizing variant allele frequency, disease prevalence and penetrance estimates, and inheritance mode, an automated score was calculated to assess if this variant is too frequent to cause the disease. Based on the score and internal cut-off values, a variant classified as benign is not then subjected to further curation. The score for this variant resulted in a classification of benign for this disease.